The following is an entry in ClinVar:

ClinVar aggregate classification (germline): Uncertain significance (1 of 4 stars; one submission).

Submission:

GeneDx
Classification: Uncertain significance. Last evaluated: 2026-03-16. Review status: criteria provided, single submitter. Criteria: GeneDx Variant Classification Process June 2021. Collection method: clinical testing. Allele origin: germline.
Comment: In silico analysis suggests that this missense variant does not alter protein structure/function; Has not been previously published as pathogenic or benign to our knowledge

NM_004606.5(TAF1):c.1282A>G (p.Lys428Glu)

Gene: TAF1 (TATA-box binding protein associated factor 1; plus strand). Cytogenetic location: Xq13.1.
Variant type: single nucleotide variant.
Coding change: c.1282A>G on transcript NM_004606.5 (MANE Select); coding-DNA position 1282, A replaced by G.
Protein change: p.Lys428Glu; replaces lysine 428 with glutamic acid.
Molecular consequence: missense variant. On other transcripts: non-coding transcript variant (9).
Genome position (GRCh38, 1-based): chrX:71,378,953, A>G. VCF-style: chrX-71378953-A-G. GRCh37 (hg19) VCF-style: chrX-70598803-A-G.
Other names: c.1282A>G, p.Lys428Glu (NM_001286074.2, NM_001440852.1, NM_001440853.1); c.1219A>G, p.Lys407Glu (NM_001440854.1, NM_138923.4); short protein forms K428E, K407E.
Identifiers: ClinVar variation 5008685 (VCV005008685.1).